The following is an entry in ClinVar:

NM_198578.4(LRRK2):c.3785C>T (p.Pro1262Leu)

Gene: LRRK2 (leucine rich repeat kinase 2; plus strand). Cytogenetic location: 12q12.
Variant type: single nucleotide variant.
Coding change: c.3785C>T on transcript NM_198578.4 (MANE Select); coding-DNA position 3785, C replaced by T.
Protein change: p.Pro1262Leu; replaces proline 1262 with leucine.
Molecular consequence: missense variant.
Genome position (GRCh38, 1-based): chr12:40,305,792, C>T. VCF-style: chr12-40305792-C-T. GRCh37 (hg19) VCF-style: chr12-40699594-C-T.
Other names: short protein forms P1262L.
Identifiers: ClinVar variation 1734879 (VCV001734879.2), dbSNP rs2499794171, ClinGen allele CA384417041.
Genomic context (GRCh38, chr12:40,305,792, plus strand): 5'-AGCACATTTCTTCCTTCCCACCAACAGGTTTTGCCCTTTTTTTTCCCATTAAGATTCCTC[C>T]TGAGATTGGCTGTCTTGAAAATCTGACATCTCTGGATGTCAGTTACAACTTGGAACTAAG-3'
Protein context (NP_940980.4, residues 1252-1272): LSHNKLKEIP[Pro1262Leu]EIGCLENLTS

ClinVar aggregate classification (germline): Uncertain significance (1 of 4 stars; one submission).

Conditions:
Inborn genetic diseases. Identifiers: MedGen C0950123, MeSH D030342.

Allele frequency attached by ClinVar (database versions not stated): gnomAD exomes below 0.00001.
gnomAD v4.1: 1 of 1,613,412 alleles (0.000062%); highest among the groups gnomAD compares: Non-Finnish European, 0.000085%; no homozygotes.

Submission:

Ambry Genetics
Classification: Uncertain significance for Inborn genetic diseases. Last evaluated: 2022-10-14. Review status: criteria provided, single submitter. Criteria: Ambry Variant Classification Scheme 2023. Collection method: clinical testing. Allele origin: germline.
Comment: The p.P1262L variant (also known as c.3785C>T), located in coding exon 28 of the LRRK2 gene, results from a C to T substitution at nucleotide position 3785. The proline at codon 1262 is replaced by leucine, an amino acid with similar properties. This amino acid position is conserved. In addition, this alteration is predicted to be tolerated by in silico analysis. Since supporting evidence is limited at this time, the clinical significance of this alteration remains unclear.